The following is an entry in ClinVar:

NM_176824.3(BBS7):c.1396_1397delinsCT (p.Gly466Leu)

Gene: BBS7 (Bardet-Biedl syndrome 7; minus strand). Cytogenetic location: 4q27.
Variant type: Indel.
Coding change: c.1396_1397delinsCT on transcript NM_176824.3 (MANE Select); coding-DNA positions 1396 to 1397, GG replaced by CT.
Protein change: p.Gly466Leu; replaces glycine 466 with leucine.
Molecular consequence: missense variant.
Genome position (GRCh38, 1-based): chr4:121,835,258-121,835,259, CC replaced by AG on the plus strand (GG replaced by CT on the coding strand, the reverse complement: BBS7 is on the minus strand). VCF-style: chr4-121835258-CC-AG. GRCh37 (hg19) VCF-style: chr4-122756413-CC-AG.
Other names: c.1396_1397delinsCT, p.Gly466Leu (NM_018190.4); short protein forms G466L.
Identifiers: ClinVar variation 4993824 (VCV004993824.1).
Genomic context (GRCh38, chr4:121,835,258, plus strand): 5'-TACTGGCGGACCTGACAGGTTTTGGGTTGAATTCTTGGAGTCACATATGCTTGTAGTGTG[CC>AG]ATACTGGCCTTCAATTGAGCGAATCTGATTCAACACAAAAGAGGAAATAAAATAAGAATA-3'
Protein context (NP_789794.1, residues 456-476): LKIRSIEGQY[Gly466Leu]TLQAYVTPRI

ClinVar aggregate classification (germline): Uncertain significance (1 of 4 stars; one submission).

Conditions:
BBS7-related disorder. Also called: BBS7-related condition.

Submission:

PreventionGenetics, part of Exact Sciences
Classification: Uncertain significance for BBS7-related condition. Last evaluated: 2026-08-26. Review status: criteria provided, single submitter. Criteria: ACMG Guidelines, 2015. Collection method: clinical testing. Allele origin: germline.
Comment: The BBS7 c.1396_1397delinsCT variant is predicted to result in an in-frame deletion and insertion. To our knowledge, this variant has not been reported in the literature or in a large population database (gnomAD), indicating this variant is rare. At this time, the clinical significance of this variant is uncertain due to the absence of conclusive functional and genetic evidence.